The following is an entry in ClinVar:

ClinVar aggregate classification (germline): Pathogenic (1 of 4 stars; one submission).

Submission:

GeneDx
Classification: Pathogenic. Last evaluated: 2015-04-17. Review status: criteria provided, single submitter. Criteria: GeneDx Variant Classification (06012015). Collection method: clinical testing. Allele origin: germline. Affected: yes.
Comment: The c.542delA deletion in the CTNNB1 gene has not been reported previously as a pathogenic variant nor as a benign polymorphism, to our knowledge. The c.542delA variant causes a frameshiftstarting with codon Lysine 181 changes this amino acid to an Arginine residue and creates a prematureStop codon at position 28 of the new reading frame, denoted p.Lys181ArgfsX28. This deletion is predictedto cause loss of normal protein function either through protein truncation or nonsense-mediated mRNAdecay. The c.542delA variant was not observed in approximately 6500 individuals of European andAfrican American ancestry in the NHLBI Exome Sequencing Project, indicating it is not a common benignvariant in these populations. We interpret c.542delA as a pathogenic variant.

NM_001904.4(CTNNB1):c.542del (p.Lys181fs)

Genes: CTNNB1 (catenin beta 1; plus strand), LOC126806658 (BRD4-independent group 4 enhancer GRCh37_chr3:41265899-41267098; plus strand). Cytogenetic location: 3p22.1.
Variant type: Deletion.
Coding change: c.542del on transcript NM_001904.4 (MANE Select); coding-DNA position 542, one base deleted (A; older notation c.542delA).
Protein change: p.Lys181fs; shifts the reading frame from lysine 181.
Molecular consequence: frameshift variant.
Genome position (GRCh38, 1-based): chr3:41,225,380, A deleted; the last of 5 consecutive A bases (chr3:41,225,376-41,225,380); deleting any one gives the same sequence. VCF-style (leftmost placement, unchanged base first): chr3-41225375-TA-T. GRCh37 (hg19) VCF-style: chr3-41266866-TA-T.
Other names: c.542del, p.Lys181fs (NM_001098209.2, NM_001098210.2); c.521del, p.Lys174fs (NM_001330729.2); short protein forms K181fs, K174fs.
Identifiers: ClinVar variation 418899 (VCV000418899.2), dbSNP rs1064793509, ClinGen allele CA16617963.